The following is an entry in ClinVar:

ClinVar aggregate classification (germline): Likely pathogenic (1 of 4 stars; one submission).

Submission:

GeneDx
Classification: Likely pathogenic. Last evaluated: 2017-04-05. Review status: criteria provided, single submitter. Criteria: GeneDx Variant Classification (06012015). Collection method: clinical testing. Allele origin: germline. Affected: yes.
Comment: The L631P variant in the SLC6A5 gene has not been reported previously as a pathogenic variant, nor as a benign variant, to our knowledge. The L631P variant is not observed in large population cohorts (Lek et al., 2016; 1000 Genomes Consortium et al., 2015; Exome Variant Server). The L631P variant is a semi-conservative amino acid substitution, which may impact secondary protein structure as these residues differ in some properties. This substitution occurs at a position that is conserved across species. In silico analysis predicts this variant is probably damaging to the protein structure/function. Therefore, we interpret L631P as a likely pathogenic variant.

NM_004211.5(SLC6A5):c.1892T>C (p.Leu631Pro)

Gene: SLC6A5 (solute carrier family 6 member 5; plus strand). Cytogenetic location: 11p15.1.
Variant type: single nucleotide variant.
Coding change: c.1892T>C on transcript NM_004211.5 (MANE Select); coding-DNA position 1892, T replaced by C.
Protein change: p.Leu631Pro; replaces leucine 631 with proline.
Molecular consequence: missense variant.
Genome position (GRCh38, 1-based): chr11:20,638,481, T>C. VCF-style: chr11-20638481-T-C. GRCh37 (hg19) VCF-style: chr11-20660027-T-C.
Other names: c.1190T>C, p.Leu397Pro (NM_001318369.2); short protein forms L631P, L397P.
Identifiers: ClinVar variation 426757 (VCV000426757.2), dbSNP rs1085307782, ClinGen allele CA379918610.